The following is an entry in ClinVar:

ClinVar aggregate classification (germline): Likely pathogenic (1 of 4 stars; one submission).

Conditions:
Gorlin syndrome. Also called: Basal cell nevus syndrome; Nevoid Basal Cell Carcinoma Syndrome. Identifiers: Orphanet 377, MedGen C0004779, MONDO:0007187.

Submission:

Labcorp Genetics (formerly Invitae), Labcorp
Classification: Likely pathogenic for Gorlin syndrome. Last evaluated: 2021-02-06. Review status: criteria provided, single submitter. Criteria: Invitae Variant Classification Sherloc (09022015). Collection method: clinical testing. Allele origin: germline.
Comment: In summary, the currently available evidence indicates that the variant is pathogenic, but additional data are needed to prove that conclusively. Therefore, this variant has been classified as Likely Pathogenic. Experimental studies and prediction algorithms are not available or were not evaluated, and the functional significance of this variant is currently unknown. This variant has been observed in individual(s) with clinical features of basal cell nevus syndrome (Invitae). In at least one individual the variant was observed to be de novo. ClinVar contains an entry for this variant (Variation ID: 961732). This variant is not present in population databases (ExAC no frequency). This variant, c.3059_3088del, results in the deletion of 10 amino acid(s) of the PTCH1 protein (p.Gln1020_Leu1029del), but otherwise preserves the integrity of the reading frame.

NM_000264.5(PTCH1):c.3059_3088del (p.Gln1020_Leu1029del)

Gene: PTCH1 (patched 1; minus strand). Cytogenetic location: 9q22.32.
Variant type: Deletion.
Coding change: c.3059_3088del on transcript NM_000264.5 (MANE Select); coding-DNA positions 3059 to 3088, 30 bases deleted (AGTACATCGGCCTCCGCCACTGGCTGCTGC).
Protein change: p.Gln1020_Leu1029del.
Molecular consequence: inframe deletion. On other transcripts: non-coding transcript variant (1).
Genome position (GRCh38, 1-based): chr9:95,458,093-95,458,122, GCAGCAGCCAGTGGCGGAGGCCGATGTACT deleted on the plus strand (AGTACATCGGCCTCCGCCACTGGCTGCTGC on the coding strand, the reverse complement: PTCH1 is on the minus strand); deleting any 30 consecutive bases within chr9:95,458,093-95,458,124 gives the same sequence; the c. name uses the placement nearest the transcript's 3' end. VCF-style (leftmost placement, unchanged base first): chr9-95458092-AGCAGCAGCCAGTGGCGGAGGCCGATGTACT-A. GRCh37 (hg19) VCF-style: chr9-98220374-AGCAGCAGCCAGTGGCGGAGGCCGATGTACT-A.
Other names: c.2861_2890del, p.Gln954_Leu963del (NM_001083602.3); c.3056_3085del, p.Gln1019_Leu1028del (NM_001083603.3); c.2606_2635del, p.Gln869_Leu878del (NM_001083604.3, NM_001083605.3, NM_001083606.3 and 1 more transcripts); c.2903_2932del, p.Gln968_Leu977del (NM_001354918.2).
Identifiers: ClinVar variation 961732 (VCV000961732.10), dbSNP rs1839107392, ClinGen allele CA1139661047.